The following is an entry in ClinVar:

ClinVar aggregate classification (germline): Uncertain significance (1 of 4 stars; one submission).

gnomAD v4.1: 1 of 1,607,842 alleles (0.000062%); highest among the groups gnomAD compares: Non-Finnish European, 0.000085%; no homozygotes.

Submission:

Ambry Genetics
Classification: Uncertain significance. Last evaluated: 2023-10-13. Review status: criteria provided, single submitter. Criteria: Ambry Variant Classification Scheme 2023. Collection method: clinical testing. Allele origin: germline.
Comment: The c.1022T>A (p.L341Q) alteration is located in exon (coding exon ) of the SH3RF3 gene. This alteration results from a T to A substitution at nucleotide position 1022, causing the leucine (L) at amino acid position 341 to be replaced by a glutamine (Q). Based on insufficient or conflicting evidence, the clinical significance of this alteration remains unclear.

NM_001099289.3(SH3RF3):c.1022T>A (p.Leu341Gln)

Genes: RANBP2 (RAN binding protein 2; plus strand), SH3RF3 (SH3 domain containing ring finger 3; plus strand). Cytogenetic location: 2q13.
Variant type: single nucleotide variant.
Coding change: c.1022T>A on transcript NM_001099289.3 (MANE Select); coding-DNA position 1022, T replaced by A.
Protein change: p.Leu341Gln; replaces leucine 341 with glutamine.
Molecular consequence: missense variant.
Genome position (GRCh38, 1-based): chr2:109,398,666, T>A. VCF-style: chr2-109398666-T-A. GRCh37 (hg19) VCF-style: chr2-110015122-T-A.
Other names: short protein forms L341Q.
Identifiers: ClinVar variation 3161404 (VCV003161404.1), dbSNP rs1335988199, ClinGen allele CA348057590.